The following is an entry in ClinVar:

ClinVar aggregate classification (germline): Uncertain significance (1 of 4 stars; one submission).

Conditions:
Hereditary cancer-predisposing syndrome. Also called: Hereditary neoplastic syndrome; Neoplastic Syndromes, Hereditary; Tumor predisposition; Hereditary Cancer Syndrome. Identifiers: Orphanet 140162, MedGen C0027672, MeSH D009386, MONDO:0015356.

Submission:

Ambry Genetics
Classification: Uncertain significance for Hereditary cancer-predisposing syndrome. Last evaluated: 2025-06-18. Review status: criteria provided, single submitter. Criteria: Ambry Variant Classification Scheme 2023. Collection method: clinical testing. Allele origin: germline.
Comment: The p.S942A variant (also known as c.2824T>G), located in coding exon 20 of the PDGFRA gene, results from a T to G substitution at nucleotide position 2824. The serine at codon 942 is replaced by alanine, an amino acid with similar properties. This amino acid position is conserved. In addition, the in silico prediction for this alteration is inconclusive. Based on the available evidence, the clinical significance of this variant remains unclear.

NM_006206.6(PDGFRA):c.2824T>G (p.Ser942Ala)

Gene: PDGFRA (platelet derived growth factor receptor alpha; plus strand). Cytogenetic location: 4q12.
Variant type: single nucleotide variant.
Coding change: c.2824T>G on transcript NM_006206.6 (MANE Select); coding-DNA position 2824, T replaced by G.
Protein change: p.Ser942Ala; replaces serine 942 with alanine.
Molecular consequence: missense variant.
Genome position (GRCh38, 1-based): chr4:54,289,058, T>G. VCF-style: chr4-54289058-T-G. GRCh37 (hg19) VCF-style: chr4-55155225-T-G.
Other names: c.2899T>G, p.Ser967Ala (NM_001347828.2); c.2824T>G, p.Ser942Ala (NM_001347829.2); c.2863T>G, p.Ser955Ala (NM_001347830.2); short protein forms S955A, S942A, S967A.
Identifiers: ClinVar variation 4133979 (VCV004133979.1).